The following is an entry in ClinVar:

NM_001377.3(DYNC2H1):c.10606-14A>G

Gene: DYNC2H1 (dynein cytoplasmic 2 heavy chain 1; plus strand). Cytogenetic location: 11q22.3.
Variant type: single nucleotide variant.
Coding change: c.10606-14A>G on transcript NM_001377.3 (MANE Select); 14 bases into the intron before coding-DNA position 10606, A replaced by G.
Molecular consequence: intron variant.
Genome position (GRCh38, 1-based): chr11:103,259,874, A>G. VCF-style: chr11-103259874-A-G. GRCh37 (hg19) VCF-style: chr11-103130603-A-G.
Other names: c.10627-14A>G (NM_001080463.2).
Identifiers: ClinVar variation 1679489 (VCV001679489.13), dbSNP rs989023092, ClinGen allele CA227415953.

ClinVar aggregate classification (germline): Conflicting classifications of pathogenicity. Review status: criteria provided, conflicting classifications (1 of 4 stars). 5 submissions from 5 submitters: Pathogenic (1); Likely pathogenic (3); Uncertain significance (1). Last evaluated 2026-08-07.

Conditions:
Asphyxiating thoracic dystrophy 3. Also called: SHORT-RIB THORACIC DYSPLASIA 3 WITH OR WITHOUT POLYDACTYLY; SHORT-RIB THORACIC DYSPLASIA 3/6 WITH POLYDACTYLY, DIGENIC; Short rib polydactyly syndrome 2B; Saldino-Noonan Syndrome; POLYDACTYLY WITH NEONATAL CHONDRODYSTROPHY, TYPE I. Identifiers: Orphanet 474, Orphanet 93269, Orphanet 93270, Orphanet 93271, MedGen C0036069, MONDO:0013127, OMIM 613091.
Jeune thoracic dystrophy. Also called: Jeune syndrome; Infantile thoracic dystrophy; Thoracic pelvic phalangeal dystrophy; Jeune's syndrome; Chondroectodermal dysplasia-like syndrome; Short-rib thoracic dysplasia. Identifiers: Orphanet 474, MedGen C0265275, MONDO:0018770.

Allele frequency attached by ClinVar (database versions not stated): gnomAD exomes 0.00001; TOPMed 0.00001.
gnomAD v4.1: 14 of 1,486,990 alleles (0.00094%); highest among the groups gnomAD compares: Non-Finnish European, 0.0012%; no homozygotes.

Submissions (5):

Myriad Genetics, Inc.
Classification: Uncertain significance for Asphyxiating thoracic dystrophy 3. Last evaluated: 2026-08-07. Review status: criteria provided, single submitter. Criteria: Myriad Autosomal Dominant, Autosomal Recessive and X-Linked Classification Criteria (2023). Collection method: clinical testing. Allele origin: unknown.
Comment: NM_001377.2(DYNC2H1):c.10606-14A>G is an intronic variant classified as a variant of uncertain significance in the context of DYNC2H1-related disorders. c.10606-14A>G has been observed in a case with relevant disease (PMID: 36442996). Relevant functional assessments of this variant are available in the literature (PMID: 36442996). c.10606-14A>G has been observed in referenced population frequency databases. In summary, there is insufficient evidence to classify NM_001377.2(DYNC2H1):c.10606-14A>G as pathogenic or benign. Please note: this variant was assessed in the context of healthy population screening.

ARUP Laboratories, Molecular Genetics and Genomics, ARUP Laboratories
Classification: Likely pathogenic for Asphyxiating thoracic dystrophy 3. Last evaluated: 2025-06-25. Review status: criteria provided, single submitter. Criteria: ARUP Molecular Germline Variant Investigation Process 2024. Collection method: clinical testing. Allele origin: germline.

Fulgent Genetics
Classification: Likely pathogenic for Asphyxiating thoracic dystrophy 3. Last evaluated: 2024-02-29. Review status: criteria provided, single submitter. Criteria: ACMG Guidelines, 2015. Collection method: clinical testing. Allele origin: germline.

Labcorp Genetics (formerly Invitae), Labcorp
Classification: Pathogenic for Jeune thoracic dystrophy. Last evaluated: 2024-02-13. Review status: criteria provided, single submitter. Criteria: Invitae Variant Classification Sherloc (09022015). Collection method: clinical testing. Allele origin: germline.
Comment: This sequence change falls in intron 70 of the DYNC2H1 gene. It does not directly change the encoded amino acid sequence of the DYNC2H1 protein. RNA analysis indicates that this variant induces altered splicing and may result in an absent or disrupted protein product. The frequency data for this variant in the population databases is considered unreliable, as metrics indicate poor data quality at this position in the gnomAD database. This variant has been observed in individual(s) with short-rib thoracic dysplasia type III (PMID: 36442996). In at least one individual the data is consistent with being in trans (on the opposite chromosome) from a pathogenic variant. ClinVar contains an entry for this variant (Variation ID: 1679489). Studies have shown that this variant alters DYNC2H1 gene expression (PMID: 36442996). Studies have shown that this variant results in activation of a cryptic splice site and introduces a premature termination codon (PMID: 36442996). The resulting mRNA is expected to undergo nonsense-mediated decay. For these reasons, this variant has been classified as Pathogenic.

GeneDx
Classification: Likely pathogenic. Last evaluated: 2022-04-08. Review status: criteria provided, single submitter. Criteria: GeneDx Variant Classification Process June 2021. Collection method: clinical testing. Allele origin: germline. Affected: yes.
Comment: Has not been previously published as pathogenic or benign to our knowledge; Not observed at significant frequency in large population cohorts (gnomAD); In silico analysis supports a deleterious effect on splicing

Literature cited by the submitters: PubMed 36442996 (cited by Myriad Genetics, Inc. and Labcorp Genetics (formerly Invitae), Labcorp).